The following is an entry in ClinVar:

ClinVar aggregate classification (germline): Uncertain significance (1 of 4 stars; one submission).

gnomAD v4.1: 7 of 1,613,042 alleles (0.00043%); highest among the groups gnomAD compares: Non-Finnish European, 0.00059%; no homozygotes.

Submission:

Ambry Genetics
Classification: Uncertain significance. Last evaluated: 2023-10-28. Review status: criteria provided, single submitter. Criteria: Ambry Variant Classification Scheme 2023. Collection method: clinical testing. Allele origin: germline.
Comment: The p.I545M variant (also known as c.1635T>G), located in coding exon 12 of the RECQL gene, results from a T to G substitution at nucleotide position 1635. The isoleucine at codon 545 is replaced by methionine, an amino acid with highly similar properties. This amino acid position is conserved. In addition, this alteration is predicted to be tolerated by in silico analysis. Since supporting evidence is limited at this time, the clinical significance of this alteration remains unclear.

NM_002907.4(RECQL):c.1635T>G (p.Ile545Met)

Gene: RECQL (RecQ like helicase; minus strand). Cytogenetic location: 12p12.1.
Variant type: single nucleotide variant.
Coding change: c.1635T>G on transcript NM_002907.4 (MANE Select); coding-DNA position 1635, T replaced by G.
Protein change: p.Ile545Met; replaces isoleucine 545 with methionine.
Molecular consequence: missense variant.
Genome position (GRCh38, 1-based): chr12:21,471,460, A>C on the plus strand (T>G on the coding strand, the complement: RECQL is on the minus strand). VCF-style: chr12-21471460-A-C. GRCh37 (hg19) VCF-style: chr12-21624394-A-C.
Other names: c.1635T>G, p.Ile545Met (NM_032941.3); short protein forms I545M.
Identifiers: ClinVar variation 3222944 (VCV003222944.1), dbSNP rs1275186637, ClinGen allele CA384115113.